The following is an entry in ClinVar:

ClinVar aggregate classification (germline): Uncertain significance (1 of 4 stars; one submission).

Submission:

CeGaT Center for Human Genetics Tuebingen
Classification: Uncertain significance. Last evaluated: 2025-11-01. Review status: criteria provided, single submitter. Criteria: CeGaT Center For Human Genetics Tuebingen Variant Classification Criteria Version 2. Collection method: clinical testing. Allele origin: germline. Affected: yes. Observed: 1 variant allele.
Comment: SCN3A: PM2, BP4

NM_006922.4(SCN3A):c.3106G>A (p.Val1036Ile)

Gene: SCN3A (sodium voltage-gated channel alpha subunit 3; minus strand). Cytogenetic location: 2q24.3.
Variant type: single nucleotide variant.
Coding change: c.3106G>A on transcript NM_006922.4 (MANE Select); coding-DNA position 3106, G replaced by A.
Protein change: p.Val1036Ile; replaces valine 1036 with isoleucine.
Molecular consequence: missense variant.
Genome position (GRCh38, 1-based): chr2:165,127,918, C>T on the plus strand (G>A on the coding strand, the complement: SCN3A is on the minus strand). VCF-style: chr2-165127918-C-T. GRCh37 (hg19) VCF-style: chr2-165984428-C-T.
Other names: c.2959G>A, p.Val987Ile (NM_001081676.2, NM_001081677.2); short protein forms V1036I, V987I.
Identifiers: ClinVar variation 4535326 (VCV004535326.6).